The following is an entry in ClinVar:

ClinVar aggregate classification (germline): Uncertain significance (1 of 4 stars; one submission).

Submission:

Mayo Clinic Laboratories, Mayo Clinic
Classification: Uncertain significance. Last evaluated: 2025-07-10. Review status: criteria provided, single submitter. Criteria: ACMG Guidelines, 2015. Collection method: clinical testing. Allele origin: germline. Observed: 1 variant allele.
Comment: BP3

NM_024496.4(IRF2BPL):c.321_356del (p.Gln116_Gln127del)

Genes: IRF2BPL (interferon regulatory factor 2 binding protein like; minus strand), LOC107984638 (uncharacterized LOC107984638; plus strand). Cytogenetic location: 14q24.3.
Variant type: Deletion.
Coding change: c.321_356del on transcript NM_024496.4 (MANE Select); coding-DNA positions 321 to 356, 36 bases deleted.
Protein change: p.Gln116_Gln127del.
Molecular consequence: inframe deletion.
Genome position (GRCh38, 1-based): chr14:77,027,437-77,027,472, 36 bases deleted; deleting any 36 consecutive bases within chr14:77,027,437-77,027,477 gives the same sequence; the c. name uses the placement nearest the transcript's 3' end. GRCh37 (hg19): chr14:77,493,785-77,493,820.
Other names: p.Gln116_Gln127del.
Identifiers: ClinVar variation 4541890 (VCV004541890.1).